The following is an entry in ClinVar:

ClinVar aggregate classification (germline): Uncertain significance. Review status: criteria provided, multiple submitters, no conflicts (2 of 4 stars). 2 submissions from 2 submitters: Uncertain significance (2). Last evaluated 2024-03-04.

Conditions:
CFB-related disorder. Also called: CFB-related disorders; CFB-related condition.

Allele frequency attached by ClinVar (database versions not stated): TOPMed 0.00006.
gnomAD v4.1: 1 of 1,612,776 alleles (0.000062%); no homozygotes.

Submissions (2):

Labcorp Genetics (formerly Invitae), Labcorp
Classification: Uncertain significance. Last evaluated: 2024-03-04. Review status: criteria provided, single submitter. Criteria: Invitae Variant Classification Sherloc (09022015). Collection method: clinical testing. Allele origin: germline.
Comment: This sequence change replaces lysine, which is basic and polar, with glutamic acid, which is acidic and polar, at codon 538 of the CFB protein (p.Lys538Glu). This variant is not present in population databases (gnomAD no frequency). This variant has not been reported in the literature in individuals affected with CFB-related conditions. ClinVar contains an entry for this variant (Variation ID: 2634749). Advanced modeling of protein sequence and biophysical properties (such as structural, functional, and spatial information, amino acid conservation, physicochemical variation, residue mobility, and thermodynamic stability) performed at Invitae indicates that this missense variant is not expected to disrupt CFB protein function with a negative predictive value of 80%. In summary, the available evidence is currently insufficient to determine the role of this variant in disease. Therefore, it has been classified as a Variant of Uncertain Significance.

PreventionGenetics, part of Exact Sciences
Classification: Uncertain significance for CFB-related condition. Last evaluated: 2023-03-13. Review status: criteria provided, single submitter. Criteria: ACMG Guidelines, 2015. Collection method: clinical testing. Allele origin: germline.
Comment: The CFB c.1612A>G variant is predicted to result in the amino acid substitution p.Lys538Glu. To our knowledge, this variant has not been reported in the literature or in a large population database, indicating this variant is rare. At this time, the clinical significance of this variant is uncertain due to the absence of conclusive functional and genetic evidence.

NM_001710.6(CFB):c.1612A>G (p.Lys538Glu)

Gene: CFB (complement factor B; plus strand). Cytogenetic location: 6p21.33.
Variant type: single nucleotide variant.
Coding change: c.1612A>G on transcript NM_001710.6 (MANE Select); coding-DNA position 1612, A replaced by G.
Protein change: p.Lys538Glu; replaces lysine 538 with glutamic acid.
Molecular consequence: missense variant.
Genome position (GRCh38, 1-based): chr6:31,950,391, A>G. VCF-style: chr6-31950391-A-G. GRCh37 (hg19) VCF-style: chr6-31918168-A-G.
Other names: short protein forms K538E.
Identifiers: ClinVar variation 2634749 (VCV002634749.4), dbSNP rs1054553580, ClinGen allele CA136897196.